The following is an entry in ClinVar:

NM_020831.6(MRTFA):c.1948C>T (p.Arg650Trp)

Gene: MRTFA (myocardin related transcription factor A; minus strand). Cytogenetic location: 22q13.1.
Variant type: single nucleotide variant.
Coding change: c.1948C>T on transcript NM_020831.6 (MANE Select); coding-DNA position 1948, C replaced by T.
Protein change: p.Arg650Trp; replaces arginine 650 with tryptophan.
Molecular consequence: missense variant.
Genome position (GRCh38, 1-based): chr22:40,418,790, G>A on the plus strand (C>T on the coding strand, the complement: MRTFA is on the minus strand). VCF-style: chr22-40418790-G-A. GRCh37 (hg19) VCF-style: chr22-40814794-G-A.
Other names: c.1648C>T, p.Arg550Trp (NM_001282660.2); c.1798C>T, p.Arg600Trp (NM_001282661.3); c.1948C>T, p.Arg650Trp (NM_001282662.3); c.1753C>T, p.Arg585Trp (NM_001318139.2); c.1648C>T (NM_020831.3); short protein forms R550W, R600W, R585W, R650W.
Identifiers: ClinVar variation 1040924 (VCV001040924.7), dbSNP rs780789822, ClinGen allele CA10249490.

ClinVar aggregate classification (germline): Conflicting classifications of pathogenicity. Review status: criteria provided, conflicting classifications (1 of 4 stars). 2 submissions from 2 submitters: Uncertain significance (1); Likely benign (1). Last evaluated 2025-09-10.

Allele frequency attached by ClinVar (database versions not stated): TOPMed below 0.00001; ExAC 0.00005.
gnomAD v4.1: 14 of 1,591,230 alleles (0.00088%); highest among the groups gnomAD compares: South Asian, 0.0079%; no homozygotes.

Submissions (2):

Ambry Genetics
Classification: Likely benign. Last evaluated: 2025-09-10. Review status: criteria provided, single submitter. Criteria: Ambry Variant Classification Scheme 2023. Collection method: clinical testing. Allele origin: germline.

Labcorp Genetics (formerly Invitae), Labcorp
Classification: Uncertain significance. Last evaluated: 2024-07-27. Review status: criteria provided, single submitter. Criteria: Invitae Variant Classification Sherloc (09022015). Collection method: clinical testing. Allele origin: germline.
Comment: This sequence change replaces arginine, which is basic and polar, with tryptophan, which is neutral and slightly polar, at codon 550 of the MKL1 protein (p.Arg550Trp). The frequency data for this variant in the population databases is considered unreliable, as metrics indicate poor data quality at this position in the gnomAD database. This variant has not been reported in the literature in individuals affected with MKL1-related conditions. ClinVar contains an entry for this variant (Variation ID: 1040924). An algorithm developed to predict the effect of missense changes on protein structure and function outputs the following: PolyPhen-2: "Benign". The tryptophan amino acid residue is found in multiple mammalian species, which suggests that this missense change does not adversely affect protein function. In summary, the available evidence is currently insufficient to determine the role of this variant in disease. Therefore, it has been classified as a Variant of Uncertain Significance.